The following is an entry in ClinVar:

NM_000179.3(MSH6):c.1600A>G (p.Asn534Asp)

Gene: MSH6 (mutS homolog 6; plus strand). Cytogenetic location: 2p16.3.
Variant type: single nucleotide variant.
Coding change: c.1600A>G on transcript NM_000179.3 (MANE Select); coding-DNA position 1600, A replaced by G.
Protein change: p.Asn534Asp; replaces asparagine 534 with aspartic acid.
Molecular consequence: missense variant.
Genome position (GRCh38, 1-based): chr2:47,799,583, A>G. VCF-style: chr2-47799583-A-G. GRCh37 (hg19) VCF-style: chr2-48026722-A-G.
Other names: c.1210A>G, p.Asn404Asp (NM_001281492.2); c.694A>G, p.Asn232Asp (NM_001281493.2, NM_001281494.2); short protein forms N232D, N404D, N534D.
Identifiers: ClinVar variation 1012025 (VCV001012025.12), dbSNP rs1669350157, ClinGen allele CA346746953.

ClinVar aggregate classification (germline): Uncertain significance. Review status: criteria provided, multiple submitters, no conflicts (2 of 4 stars). 3 submissions from 3 submitters: Uncertain significance (2). 1 of the submissions does not count toward it. Last evaluated 2023-12-02.

Conditions:
Hereditary nonpolyposis colorectal neoplasms. Identifiers: MedGen C0009405, MeSH D003123.
Hereditary cancer-predisposing syndrome. Also called: Hereditary Cancer Syndrome; Hereditary neoplastic syndrome; Tumor predisposition; Neoplastic Syndromes, Hereditary. Identifiers: Orphanet 140162, MedGen C0027672, MeSH D009386, MONDO:0015356.
Carcinoma of colon (CRC). Also called: Colonic carcinoma; Colon carcinoma. Identifiers: MedGen C0699790, MONDO:0002032.

Submissions (3):

Labcorp Genetics (formerly Invitae), Labcorp
Classification: Uncertain significance for Hereditary nonpolyposis colorectal neoplasms. Last evaluated: 2023-12-02. Review status: criteria provided, single submitter. Criteria: Invitae Variant Classification Sherloc (09022015). Collection method: clinical testing. Allele origin: germline.
Comment: This sequence change replaces asparagine, which is neutral and polar, with aspartic acid, which is acidic and polar, at codon 534 of the MSH6 protein (p.Asn534Asp). This variant is not present in population databases (gnomAD no frequency). This variant has not been reported in the literature in individuals affected with MSH6-related conditions. ClinVar contains an entry for this variant (Variation ID: 1012025). Advanced modeling of protein sequence and biophysical properties (such as structural, functional, and spatial information, amino acid conservation, physicochemical variation, residue mobility, and thermodynamic stability) performed at Invitae indicates that this missense variant is not expected to disrupt MSH6 protein function with a negative predictive value of 95%. In summary, the available evidence is currently insufficient to determine the role of this variant in disease. Therefore, it has been classified as a Variant of Uncertain Significance.

Ambry Genetics
Classification: Uncertain significance for Hereditary cancer-predisposing syndrome. Last evaluated: 2020-05-07. Review status: criteria provided, single submitter. Criteria: Ambry Variant Classification Scheme 2023. Collection method: clinical testing. Allele origin: germline.
Comment: The p.N534D variant (also known as c.1600A>G), located in coding exon 4 of the MSH6 gene, results from an A to G substitution at nucleotide position 1600. The asparagine at codon 534 is replaced by aspartic acid, an amino acid with highly similar properties. This amino acid position is not well conserved in available vertebrate species. In addition, this alteration is predicted to be tolerated by in silico analysis. Since supporting evidence is limited at this time, the clinical significance of this alteration remains unclear.

Department of Pathology and Laboratory Medicine, Sinai Health System
Classification: Uncertain significance for Carcinoma of colon. Review status: no assertion criteria provided. Collection method: clinical testing. Allele origin: unknown. Affected: yes. Study: The Canadian Open Genetics Repository (COGR). Not counted in ClinVar's aggregate classification.
Comment: The MSH6 p.Asn534Asp variant was not identified in the literature nor was it identified in the following databases: dbSNP, ClinVar, COGR, Cosmic, MutDB, UMD-LSDB, Zhejiang Colon Cancer Database, Mismatch Repair Genes Variant Database, or Insight Hereditary Tumors Database. The variant was not identified in the 1000 Genomes Project, the NHLBI GO Exome Sequencing Project, the Exome Aggregation Consortium (August 8th 2016), or the Genome Aggregation Database (Feb 27, 2017). The p.Asn534 residue is not conserved in mammals and four out of five computational analyses (PolyPhen-2, SIFT, AlignGVGD, BLOSUM, MutationTaster) do not suggest a high likelihood of impact to the protein; however, this information is not predictive enough to rule out pathogenicity. The variant occurs outside of the splicing consensus sequence and in silico or computational prediction software programs (SpliceSiteFinder, MaxEntScan, NNSPLICE, GeneSplicer, HumanSpliceFinder) do not predict a difference in splicing. In summary, based on the above information, the clinical significance of this variant cannot be determined with certainty at this time. This variant is classified as a variant of uncertain significance